The following is an entry in ClinVar:

NM_182961.4(SYNE1):c.17690C>T (p.Ala5897Val)

Gene: SYNE1 (spectrin repeat containing nuclear envelope protein 1; minus strand). Cytogenetic location: 6q25.2.
Variant type: single nucleotide variant.
Coding change: c.17690C>T on transcript NM_182961.4 (MANE Select); coding-DNA position 17690, C replaced by T.
Protein change: p.Ala5897Val; replaces alanine 5897 with valine.
Molecular consequence: missense variant.
Genome position (GRCh38, 1-based): chr6:152,294,120, G>A on the plus strand (C>T on the coding strand, the complement: SYNE1 is on the minus strand). VCF-style: chr6-152294120-G-A. GRCh37 (hg19) VCF-style: chr6-152615255-G-A.
Other names: c.17477C>T, p.Ala5826Val (NM_033071.5); short protein forms A5826V, A5897V.
Identifiers: ClinVar variation 4689625 (VCV004689625.1).

ClinVar aggregate classification (germline): Uncertain significance (1 of 4 stars; one submission).

gnomAD v4.1: 4 of 1,613,488 alleles (0.00025%); highest among the groups gnomAD compares: Non-Finnish European, 0.00034%; no homozygotes.

Submission:

Women's Health and Genetics/Laboratory Corporation of America, LabCorp
Classification: Uncertain significance. Last evaluated: 2026-01-06. Review status: criteria provided, single submitter. Criteria: LabCorp Variant Classification Summary - May 2015. Collection method: clinical testing. Allele origin: germline.
Comment: Variant summary: SYNE1 c.17477C>T (p.Ala5826Val) results in a non-conservative amino acid change in the encoded protein sequence. Algorithms developed to predict the effect of missense changes on protein structure and function are either unavailable or do not agree on the potential impact of this missense change. The variant allele was found at a frequency of 4e-06 in 251040 control chromosomes. The available data on variant occurrences in the general population are insufficient to allow any conclusion about variant significance. To our knowledge, no occurrence of c.17477C>T in individuals affected with SYNE1-related conditions and no experimental evidence demonstrating its impact on protein function have been reported. No submitters have cited clinical-significance assessments for this variant to ClinVar. Based on the evidence outlined above, the variant was classified as uncertain significance.